The following is an entry in ClinVar:

NM_001162501.2(TNRC6B):c.4416C>T (p.Ser1472=)

Gene: TNRC6B (trinucleotide repeat containing adaptor 6B; plus strand). Cytogenetic location: 22q13.1.
Variant type: single nucleotide variant.
Coding change: c.4416C>T on transcript NM_001162501.2 (MANE Select); coding-DNA position 4416, C replaced by T.
Protein change: p.Ser1472=; no amino-acid change (serine 1472 retained).
Molecular consequence: synonymous variant.
Genome position (GRCh38, 1-based): chr22:40,310,974, C>T. VCF-style: chr22-40310974-C-T. GRCh37 (hg19) VCF-style: chr22-40706978-C-T.
Other names: c.2004C>T, p.Ser668= (NM_001024843.2); c.4086C>T, p.Ser1362= (NM_015088.3).
Identifiers: ClinVar variation 738673 (VCV000738673.8), dbSNP rs144835808, ClinGen allele CA10247291.

ClinVar aggregate classification (germline): Benign/Likely benign. Review status: criteria provided, multiple submitters, no conflicts (2 of 4 stars). 4 submissions from 4 submitters: Benign (2); Likely benign (1). 1 of the submissions does not count toward it. Last evaluated 2024-08-09.

Conditions:
TNRC6B-related disorder. Also called: TNRC6B-related condition.

Allele frequency attached by ClinVar (database versions not stated): gnomAD exomes 0.00035 and 0.00081; ExAC 0.00127; gnomAD 0.00251 and 0.00273; ESP Exome Variant Server 0.00283; TOPMed 0.00300; 1000 Genomes Project 30x 0.00328; 1000 Genomes Project 0.00379.
gnomAD v4.1: 905 of 1,608,100 alleles (0.056%); highest among the groups gnomAD compares: African/African-American, 0.81%; 8 homozygotes.

Submissions (4):

Blueprint Genetics
Classification: Likely benign. Last evaluated: 2024-08-09. Review status: criteria provided, single submitter. Criteria: ACMG Guidelines, 2015. Collection method: clinical testing. Allele origin: germline.

Labcorp Genetics (formerly Invitae), Labcorp
Classification: Benign. Last evaluated: 2019-12-31. Review status: criteria provided, single submitter. Criteria: Invitae Variant Classification Sherloc (09022015). Collection method: clinical testing. Allele origin: germline.

Breakthrough Genomics
Classification: Benign. Review status: criteria provided, single submitter. Criteria: ACMG Guidelines, 2015. Collection method: not provided. Allele origin: germline. Inheritance: Autosomal dominant inheritance. Affected: yes.

PreventionGenetics, part of Exact Sciences
Classification: Benign for TNRC6B-related condition. Last evaluated: 2019-03-04. Review status: no assertion criteria provided. Collection method: clinical testing. Allele origin: germline. Not counted in ClinVar's aggregate classification.
Comment: This variant is classified as benign based on ACMG/AMP sequence variant interpretation guidelines (Richards et al. 2015 PMID: 25741868, with internal and published modifications).